The following is an entry in ClinVar:

NM_002465.4(MYBPC1):c.1927+110_1927+111insTTTTT

Gene: MYBPC1 (myosin binding protein C1; plus strand). Cytogenetic location: 12q23.2.
Variant type: Insertion.
Coding change: c.1927+110_1927+111insTTTTT on transcript NM_002465.4 (MANE Select); bases 110 to 111 of the intron after coding-DNA position 1927, TTTTT inserted.
Molecular consequence: intron variant.
Genome position: GRCh38 VCF-style: chr12-101659939-C-CTTTTT. GRCh37 (hg19) VCF-style: chr12-102053717-C-CTTTTT.
Other names: c.1927+110_1927+111insTTTTT (NM_206819.4, NM_001404675.1); c.1852+110_1852+111insTTTTT (NM_001254718.3, NM_206820.4, NM_001254719.3 and 1 more transcripts); c.1795+110_1795+111insTTTTT (NM_001254721.3, NM_001404678.1, NM_001404676.1); c.1816+110_1816+111insTTTTT (NM_001254720.3); c.1813+110_1813+111insTTTTT (NM_001254723.3); c.1774+110_1774+111insTTTTT (NM_001254722.3, NM_001404680.1); c.1717+110_1717+111insTTTTT (NM_001404679.1, NM_001404681.1, NM_001404677.1).
Identifiers: ClinVar variation 2499841 (VCV002499841.1), dbSNP rs1403795370, ClinGen allele CA607148254.
Genomic context (GRCh38, chr12:101,659,939, plus strand): 5'-AGATTCAGAGTAGACTTTCCTTCTTTGTCCTTTCCTTCCATTTCCTTCCTTTGTCTTTCC[C>CTTTTT]TTATCTTCTTTTTTTTTCTTGCCTAGAGGACTTATCATTGGAGAAAGAAGAGCTAAGGTC-3'

ClinVar aggregate classification (germline): Likely benign (1 of 4 stars; one submission).

Submission:

GeneDx
Classification: Likely benign. Last evaluated: 2021-05-24. Review status: criteria provided, single submitter. Criteria: GeneDx Variant Classification Process June 2021. Collection method: clinical testing. Allele origin: germline. Affected: yes.
Comment: See Variant Classification Assertion Criteria.